The following is an entry in ClinVar:

NM_001368771.2(SEPTIN4):c.476T>A (p.Leu159Ter)

Genes: C17orf47 (chromosome 17 open reading frame 47; minus strand), SEPTIN4 (septin 4; minus strand), SEPTIN4-AS1 (SEPTIN4 antisense RNA 1; plus strand). Cytogenetic location: 17q22.
Variant type: single nucleotide variant.
Coding change: c.476T>A on transcript NM_001368771.2 (MANE Select); coding-DNA position 476, T replaced by A.
Protein change: p.Leu159Ter; replaces leucine 159 with a stop codon.
Molecular consequence: nonsense. On other transcripts: intron variant (1).
Genome position (GRCh38, 1-based): chr17:58,543,711, A>T on the plus strand (T>A on the coding strand, the complement: SEPTIN4 is on the minus strand). VCF-style: chr17-58543711-A-T. GRCh37 (hg19) VCF-style: chr17-56621072-A-T.
Other names: c.476T>A, p.Leu159Ter (NM_001038704.4); c.-15+560T>A (NM_001368772.2); short protein forms L159*.
Identifiers: ClinVar variation 4850605 (VCV004850605.1).

ClinVar aggregate classification (germline): Likely pathogenic (1 of 4 stars; one submission).

Conditions:
Spermatogenic failure 99. Identifiers: MedGen C6012721, MONDO:0978297, OMIM 621194.

gnomAD v4.1: 152 of 1,614,066 alleles (0.0094%); highest among the groups gnomAD compares: Non-Finnish European, 0.01%; no homozygotes.

Submission:

First Genomix Gene Laboratory, Genetic Diagnostics Department
Classification: Likely pathogenic for Spermatogenic failure 99. Last evaluated: 2025-12-26. Review status: criteria provided, single submitter. Criteria: ACMG Guidelines, 2015. Collection method: clinical testing. Allele origin: germline. Inheritance: Autosomal recessive inheritance. Affected: no. Observed: 1 variant allele.